The following is an entry in ClinVar:

NM_006206.6(PDGFRA):c.2250G>T (p.Glu750Asp)

Gene: PDGFRA (platelet derived growth factor receptor alpha; plus strand). Cytogenetic location: 4q12.
Variant type: single nucleotide variant.
Coding change: c.2250G>T on transcript NM_006206.6 (MANE Select); coding-DNA position 2250, G replaced by T.
Protein change: p.Glu750Asp; replaces glutamic acid 750 with aspartic acid.
Molecular consequence: missense variant.
Genome position (GRCh38, 1-based): chr4:54,280,409, G>T. VCF-style: chr4-54280409-G-T. GRCh37 (hg19) VCF-style: chr4-55146576-G-T.
Other names: c.2250G>T, p.Glu750Asp (NM_001347827.2, NM_001347829.2); c.2325G>T, p.Glu775Asp (NM_001347828.2); c.2289G>T, p.Glu763Asp (NM_001347830.2); short protein forms E763D, E775D, E750D.
Identifiers: ClinVar variation 1361988 (VCV001361988.6), dbSNP rs751123873, ClinGen allele CA2922794.

ClinVar aggregate classification (germline): Uncertain significance (1 of 4 stars; one submission).

Conditions:
Gastrointestinal stromal tumor. Also called: Gastrointestinal stroma tumor; Gastrointestinal stromal tumor, somatic. Identifiers: Orphanet 44890, MedGen C0238198, MeSH D046152, MONDO:0011719, OMIM 606764, HP:0100723.

Allele frequency attached by ClinVar (database versions not stated): gnomAD exomes below 0.00001; ExAC 0.00001.

Submission:

Labcorp Genetics (formerly Invitae), Labcorp
Classification: Uncertain significance for Gastrointestinal stromal tumor. Last evaluated: 2025-11-15. Review status: criteria provided, single submitter. Criteria: Invitae Variant Classification Sherloc (09022015). Collection method: clinical testing. Allele origin: germline.
Comment: This sequence change replaces glutamic acid, which is acidic and polar, with aspartic acid, which is acidic and polar, at codon 750 of the PDGFRA protein (p.Glu750Asp). This variant is present in population databases (rs751123873, gnomAD 0.006%). This variant has not been reported in the literature in individuals affected with PDGFRA-related conditions. ClinVar contains an entry for this variant (Variation ID: 1361988). Invitae Evidence Modeling of protein sequence and biophysical properties (such as structural, functional, and spatial information, amino acid conservation, physicochemical variation, residue mobility, and thermodynamic stability) indicates that this missense variant is not expected to disrupt PDGFRA protein function with a negative predictive value of 80%. In summary, the available evidence is currently insufficient to determine the role of this variant in disease. Therefore, it has been classified as a Variant of Uncertain Significance.